The following is an entry in ClinVar:

ClinVar aggregate classification (germline): Uncertain significance (1 of 4 stars; one submission).

Conditions:
Cardiovascular phenotype. Identifiers: MedGen CN230736.

gnomAD v4.1: 29 of 1,612,894 alleles (0.0018%); highest among the groups gnomAD compares: Non-Finnish European, 0.0024%; no homozygotes.

Submission:

Ambry Genetics
Classification: Uncertain significance for Cardiovascular phenotype. Last evaluated: 2026-01-06. Review status: criteria provided, single submitter. Criteria: Ambry Variant Classification Scheme 2023. Collection method: clinical testing. Allele origin: germline.
Comment: The p.W119L variant (also known as c.356G>T), located in coding exon 2 of the LMF1 gene, results from a G to T substitution at nucleotide position 356. The tryptophan at codon 119 is replaced by leucine, an amino acid with similar properties. This amino acid position is conserved. In addition, the in silico prediction for this alteration is inconclusive. Based on the available evidence, the clinical significance of this variant remains unclear.

NM_022773.4(LMF1):c.356G>T (p.Trp119Leu)

Gene: LMF1 (lipase maturation factor 1; minus strand). Cytogenetic location: 16p13.3.
Variant type: single nucleotide variant.
Coding change: c.356G>T on transcript NM_022773.4 (MANE Select); coding-DNA position 356, G replaced by T.
Protein change: p.Trp119Leu; replaces tryptophan 119 with leucine.
Molecular consequence: missense variant. On other transcripts: 5 prime UTR variant (3), non-coding transcript variant (1).
Genome position (GRCh38, 1-based): chr16:954,504, C>A on the plus strand (G>T on the coding strand, the complement: LMF1 is on the minus strand). VCF-style: chr16-954504-C-A. GRCh37 (hg19) VCF-style: chr16-1004504-C-A.
Other names: c.-448G>T (NM_001352017.2); c.-199G>T (NM_001352018.2); c.29G>T, p.Trp10Leu (NM_001352019.2); c.356G>T, p.Trp119Leu (NM_001352020.1); c.-350G>T (NM_001352021.2); short protein forms W119L, W10L.
Identifiers: ClinVar variation 4047705 (VCV004047705.2).